The following is an entry in ClinVar:

NM_004727.3(SLC24A1):c.629C>T (p.Thr210Ile)

Gene: SLC24A1 (solute carrier family 24 member 1; plus strand). Cytogenetic location: 15q22.31.
Variant type: single nucleotide variant.
Coding change: c.629C>T on transcript NM_004727.3 (MANE Select); coding-DNA position 629, C replaced by T.
Protein change: p.Thr210Ile; replaces threonine 210 with isoleucine.
Molecular consequence: missense variant.
Genome position (GRCh38, 1-based): chr15:65,624,709, C>T. VCF-style: chr15-65624709-C-T. GRCh37 (hg19) VCF-style: chr15-65917047-C-T.
Other names: c.629C>T (NM_004727.2); c.629C>T, p.Thr210Ile (NM_001301031.1, NM_001301032.1, NM_001301033.2 and 1 more transcripts); short protein forms T210I.
Identifiers: ClinVar variation 1955324 (VCV001955324.7), dbSNP rs766563238, ClinGen allele CA7619777.

ClinVar aggregate classification (germline): Uncertain significance. Review status: criteria provided, multiple submitters, no conflicts (2 of 4 stars). 2 submissions from 2 submitters: Uncertain significance (2). Last evaluated 2023-05-04.

Conditions:
Inborn genetic diseases. Identifiers: MedGen C0950123, MeSH D030342.

Allele frequency attached by ClinVar (database versions not stated): gnomAD exomes below 0.00001; ExAC 0.00002.
gnomAD v4.1: 4 of 1,610,030 alleles (0.00025%); highest among the groups gnomAD compares: African/African-American, 0.004%; no homozygotes.

Submissions (2):

Ambry Genetics
Classification: Uncertain significance for Inborn genetic diseases. Last evaluated: 2023-05-04. Review status: criteria provided, single submitter. Criteria: Ambry Variant Classification Scheme 2023. Collection method: clinical testing. Allele origin: germline.

Labcorp Genetics (formerly Invitae), Labcorp
Classification: Uncertain significance. Last evaluated: 2022-10-13. Review status: criteria provided, single submitter. Criteria: Invitae Variant Classification Sherloc (09022015). Collection method: clinical testing. Allele origin: germline.
Comment: Algorithms developed to predict the effect of missense changes on protein structure and function are either unavailable or do not agree on the potential impact of this missense change (SIFT: "Tolerated"; PolyPhen-2: "Possibly Damaging"; Align-GVGD: "Class C0"). This variant has not been reported in the literature in individuals affected with SLC24A1-related conditions. This variant is present in population databases (rs766563238, gnomAD 0.009%). This sequence change replaces threonine, which is neutral and polar, with isoleucine, which is neutral and non-polar, at codon 210 of the SLC24A1 protein (p.Thr210Ile). In summary, the available evidence is currently insufficient to determine the role of this variant in disease. Therefore, it has been classified as a Variant of Uncertain Significance.